The following is an entry in ClinVar:

NM_006514.4(SCN10A):c.5847G>A (p.Met1949Ile)

Gene: SCN10A (sodium voltage-gated channel alpha subunit 10; minus strand). Cytogenetic location: 3p22.2.
Variant type: single nucleotide variant.
Coding change: c.5847G>A on transcript NM_006514.4 (MANE Select); coding-DNA position 5847, G replaced by A.
Protein change: p.Met1949Ile; replaces methionine 1949 with isoleucine.
Molecular consequence: missense variant.
Genome position (GRCh38, 1-based): chr3:38,697,373, C>T on the plus strand (G>A on the coding strand, the complement: SCN10A is on the minus strand). VCF-style: chr3-38697373-C-T. GRCh37 (hg19) VCF-style: chr3-38738864-C-T.
Other names: c.5844G>A, p.Met1948Ile (NM_001293306.2); c.5553G>A, p.Met1851Ile (NM_001293307.2); short protein forms M1949I, M1851I, M1948I.
Identifiers: ClinVar variation 4764317 (VCV004764317.1).

ClinVar aggregate classification (germline): Uncertain significance (1 of 4 stars; one submission).

Conditions:
Brugada syndrome. Also called: Sudden unexpected nocturnal death syndrome; Sudden unexplained nocturnal death syndrome; Sudden Unexplained Death Syndrome; Sudden Unexplained Nocturnal Death Syndrome (SUNDS). Identifiers: Orphanet 130, MedGen C1142166, MONDO:0015263.

Submission:

Labcorp Genetics (formerly Invitae), Labcorp
Classification: Uncertain significance for Brugada syndrome. Last evaluated: 2025-07-16. Review status: criteria provided, single submitter. Criteria: Invitae Variant Classification Sherloc (09022015). Collection method: clinical testing. Allele origin: germline.
Comment: This sequence change replaces methionine, which is neutral and non-polar, with isoleucine, which is neutral and non-polar, at codon 1949 of the SCN10A protein (p.Met1949Ile). This variant is not present in population databases (gnomAD no frequency). This variant has not been reported in the literature in individuals affected with SCN10A-related conditions. Invitae Evidence Modeling of protein sequence and biophysical properties (such as structural, functional, and spatial information, amino acid conservation, physicochemical variation, residue mobility, and thermodynamic stability) indicates that this missense variant is not expected to disrupt SCN10A protein function with a negative predictive value of 95%. In summary, the available evidence is currently insufficient to determine the role of this variant in disease. Therefore, it has been classified as a Variant of Uncertain Significance.